The following is an entry in ClinVar:

ClinVar aggregate classification (germline): Uncertain significance (1 of 4 stars; one submission).

Conditions:
Immunodeficiency, common variable, 2 (CVID2). Also called: ANTIBODY DEFICIENCY DUE TO TACI DEFECT; HYPOGAMMAGLOBULINEMIA DUE TO TACI DEFICIENCY. Identifiers: Orphanet 1572, MedGen C3150354, MONDO:0009413, OMIM 240500.

gnomAD v4.1: 11 of 1,614,046 alleles (0.00068%); highest among the groups gnomAD compares: Non-Finnish European, 0.00085%; no homozygotes.

Submission:

Labcorp Genetics (formerly Invitae), Labcorp
Classification: Uncertain significance for Immunodeficiency, common variable, 2. Last evaluated: 2025-02-13. Review status: criteria provided, single submitter. Criteria: Invitae Variant Classification Sherloc (09022015). Collection method: clinical testing. Allele origin: germline.
Comment: This sequence change replaces arginine, which is basic and polar, with serine, which is neutral and polar, at codon 189 of the TNFRSF13B protein (p.Arg189Ser). This variant is present in population databases (rs370856157, gnomAD 0.0009%). This variant has not been reported in the literature in individuals affected with TNFRSF13B-related conditions. Invitae Evidence Modeling of protein sequence and biophysical properties (such as structural, functional, and spatial information, amino acid conservation, physicochemical variation, residue mobility, and thermodynamic stability) indicates that this missense variant is not expected to disrupt TNFRSF13B protein function with a negative predictive value of 95%. In summary, the available evidence is currently insufficient to determine the role of this variant in disease. Therefore, it has been classified as a Variant of Uncertain Significance.

NM_012452.3(TNFRSF13B):c.567G>T (p.Arg189Ser)

Gene: TNFRSF13B (TNF receptor superfamily member 13B; minus strand). Cytogenetic location: 17p11.2.
Variant type: single nucleotide variant.
Coding change: c.567G>T on transcript NM_012452.3 (MANE Select); coding-DNA position 567, G replaced by T.
Protein change: p.Arg189Ser; replaces arginine 189 with serine.
Molecular consequence: missense variant.
Genome position (GRCh38, 1-based): chr17:16,940,390, C>A on the plus strand (G>T on the coding strand, the complement: TNFRSF13B is on the minus strand). VCF-style: chr17-16940390-C-A. GRCh37 (hg19) VCF-style: chr17-16843704-C-A.
Other names: short protein forms R189S.
Identifiers: ClinVar variation 4810434 (VCV004810434.1).